The following is an entry in ClinVar:

NM_053013.4(ENO3):c.1067+18C>T

Gene: ENO3 (enolase 3; plus strand). Cytogenetic location: 17p13.2.
Variant type: single nucleotide variant.
Coding change: c.1067+18C>T on transcript NM_053013.4 (MANE Select); 18 bases into the intron after coding-DNA position 1067, C replaced by T.
Molecular consequence: intron variant.
Genome position (GRCh38, 1-based): chr17:4,956,161, C>T. VCF-style: chr17-4956161-C-T. GRCh37 (hg19) VCF-style: chr17-4859456-C-T.
Other names: p.?; c.1067+18C>T (NM_001976.5); c.938+18C>T (NM_001193503.2).
Identifiers: ClinVar variation 380523 (VCV000380523.11), dbSNP rs191862496, ClinGen allele CA8316526.

ClinVar aggregate classification (germline): Benign/Likely benign. Review status: criteria provided, multiple submitters, no conflicts (2 of 4 stars). 4 submissions from 4 submitters: Benign (3); Likely benign (1). Last evaluated 2026-02-01.

Conditions:
Glycogen storage disease due to muscle beta-enolase deficiency (GSD13). Also called: ENOLASE 3 DEFICIENCY; ENOLASE-BETA DEFICIENCY; GSD XIII; Glycogen Storage Disease Type XIII. Identifiers: Orphanet 99849, MedGen C2752027, MONDO:0013046, OMIM 612932.

Allele frequency attached by ClinVar (database versions not stated): ESP Exome Variant Server 0.00031; gnomAD 0.00268 and 0.00284; ExAC 0.00365; gnomAD exomes 0.00455; TOPMed 0.00465; 1000 Genomes Project 0.00619; 1000 Genomes Project 30x 0.00703.
gnomAD v4.1: 2,074 of 1,612,978 alleles (0.13%); highest among the groups gnomAD compares: Admixed American, 3%; 48 homozygotes.

Submissions (4):

Labcorp Genetics (formerly Invitae), Labcorp
Classification: Benign for Glycogen storage disease due to muscle beta-enolase deficiency. Last evaluated: 2026-02-01. Review status: criteria provided, single submitter. Criteria: Invitae Variant Classification Sherloc (09022015). Collection method: clinical testing. Allele origin: germline.

Mayo Clinic Laboratories, Mayo Clinic
Classification: Likely benign. Last evaluated: 2024-11-18. Review status: criteria provided, single submitter. Criteria: ACMG Guidelines, 2015. Collection method: clinical testing. Allele origin: germline. Observed: 1 variant allele.
Comment: BS1, BP4, BP7

GeneDx
Classification: Benign. Last evaluated: 2016-11-29. Review status: criteria provided, single submitter. Criteria: GeneDx Variant Classification (06012015). Collection method: clinical testing. Allele origin: germline. Affected: yes.
Comment: This variant is considered likely benign or benign based on one or more of the following criteria: it is a conservative change, it occurs at a poorly conserved position in the protein, it is predicted to be benign by multiple in silico algorithms, and/or has population frequency not consistent with disease.

Breakthrough Genomics
Classification: Benign. Review status: criteria provided, single submitter. Criteria: ACMG Guidelines, 2015. Collection method: not provided. Allele origin: germline. Inheritance: Autosomal recessive inheritance. Affected: yes.